The following is an entry in ClinVar:

NM_002016.2(FLG):c.63dup (p.Asp22fs)

Genes: CCDST (cervical cancer associated DHX9 suppressive transcript; plus strand), FLG (filaggrin; minus strand). Cytogenetic location: 1q21.3.
Variant type: Duplication.
Coding change: c.63dup on transcript NM_002016.2 (MANE Select); coding-DNA position 63, one base duplicated (A; older notation c.63dupA).
Protein change: p.Asp22fs; shifts the reading frame from aspartic acid 22.
Molecular consequence: frameshift variant.
Genome position (GRCh38, 1-based): chr1:152,315,394, T duplicated on the plus strand (A on the coding strand, the reverse complement: FLG is on the minus strand); the first of 7 consecutive T bases (chr1:152,315,394-152,315,400); duplicating any one gives the same sequence. VCF-style (leftmost placement, unchanged base first): chr1-152315393-C-CT. GRCh37 (hg19) VCF-style: chr1-152287869-C-CT.
Other names: short protein forms D22fs.
Identifiers: ClinVar variation 4689812 (VCV004689812.1).
Genomic context (GRCh38, chr1:152,315,393, plus strand): 5'-GAAATTCCTTTTCCAGAAGTTCCTTCAGCTCTTTTTTACTCAATGTGTCAGTGTTTTTAT[C>CT]TTTTTTTGAATATTGCTTGAAAAGATTAATTATGGCAAAGATGTTTTCCAGGAGAGTAGA-3'

ClinVar aggregate classification (germline): Pathogenic (1 of 4 stars; one submission).

Submission:

GeneDx
Classification: Pathogenic. Last evaluated: 2025-07-30. Review status: criteria provided, single submitter. Criteria: GeneDx Variant Classification Process June 2021. Collection method: clinical testing. Allele origin: germline. Affected: yes.
Comment: Frameshift variant predicted to result in protein truncation or nonsense mediated decay in a gene for which loss of function is a known mechanism of disease; This variant is associated with the following publications: (PMID: 36308042, 16444271, 32018027)